The following is an entry in ClinVar:

NM_001042492.3(NF1):c.1757_1758del (p.Thr586fs)

Gene: NF1 (neurofibromin 1; plus strand). Cytogenetic location: 17q11.2.
Variant type: Deletion.
Coding change: c.1757_1758del on transcript NM_001042492.3 (MANE Select); coding-DNA positions 1757 to 1758, 2 bases deleted (CT; older notation c.1757_1758delCT).
Protein change: p.Thr586fs; shifts the reading frame from threonine 586.
Molecular consequence: frameshift variant.
Genome position (GRCh38, 1-based): chr17:31,223,479-31,223,480, CT deleted. VCF-style (leftmost placement, unchanged base first): chr17-31223478-ACT-A. GRCh37 (hg19) VCF-style: chr17-29550496-ACT-A.
Other names: c.1757_1758del, p.Thr586fs (NM_000267.4); short protein forms T586fs.
Identifiers: ClinVar variation 5002567 (VCV005002567.1).

ClinVar aggregate classification (germline): Likely pathogenic (1 of 4 stars; one submission).

Conditions:
NF1-related disorder. Also called: NF1-related condition. Identifiers: MedGen CN379171.

Submission:

PreventionGenetics, part of Exact Sciences
Classification: Likely pathogenic for NF1-related condition. Last evaluated: 2025-07-18. Review status: criteria provided, single submitter. Criteria: ACMG Guidelines, 2015. Collection method: clinical testing. Allele origin: germline.
Comment: The NF1 c.1757_1758delCT variant is predicted to result in a frameshift and premature protein termination (p.Thr586Lysfs*6). To our knowledge, this variant has not been reported in the literature or in a large population database (gnomAD), indicating this variant is rare. Frameshift variants in NF1 are expected to be pathogenic. This variant is interpreted as likely pathogenic.